The following is an entry in ClinVar:

ClinVar aggregate classification (germline): Uncertain significance (1 of 4 stars; one submission).

Conditions:
Cardiomyopathy (CMYO). Also called: Cardiomyopathies. Identifiers: Orphanet 167848, MedGen C0878544, MONDO:0004994, HP:0001638. Inheritance: Various modes of inheritance.

Allele frequency attached by ClinVar (database versions not stated): gnomAD exomes below 0.00001.
gnomAD v4.1: 3 of 1,612,336 alleles (0.00019%); highest among the groups gnomAD compares: African/African-American, 0.004%; no homozygotes.

Submission:

Color Diagnostics, LLC DBA Color Health
Classification: Uncertain significance for Cardiomyopathy. Last evaluated: 2021-03-23. Review status: criteria provided, single submitter. Criteria: ACMG Guidelines, 2015. Collection method: clinical testing. Allele origin: germline.
Comment: This variant causes an A to G nucleotide substitution at the -2 position of intron 9 of the TMEM43 gene. To our knowledge, functional studies have not been reported for this variant. This variant has not been reported in individuals affected with cardiovascular disorders in the literature. This variant has not been identified in the general population by the Genome Aggregation Database (gnomAD). The available evidence is insufficient to determine the role of this variant in disease conclusively. Therefore, this variant is classified as a Variant of Uncertain Significance.

NM_024334.3(TMEM43):c.781-2A>G

Gene: TMEM43 (transmembrane protein 43; plus strand). Cytogenetic location: 3p25.1.
Variant type: single nucleotide variant.
Coding change: c.781-2A>G on transcript NM_024334.3 (MANE Select); the canonical splice acceptor site of the intron before coding-DNA position 781, A replaced by G.
Molecular consequence: splice acceptor variant.
Genome position (GRCh38, 1-based): chr3:14,135,805, A>G. VCF-style: chr3-14135805-A-G. GRCh37 (hg19) VCF-style: chr3-14177305-A-G.
Other names: c.784-2A>G (NM_001407274.1); c.781-2A>G (NM_001407276.1); c.778-2A>G (NM_001407275.1, NM_001407277.1); c.706-2A>G (NM_001407279.1); c.766-2A>G (NM_001407278.1); c.631-2A>G (NM_001407280.1).
Identifiers: ClinVar variation 1332435 (VCV001332435.2), dbSNP rs1198392753, ClinGen allele CA351535853.